The following is an entry in ClinVar:

NM_003179.3(SYP):c.736C>T (p.Pro246Ser)

Gene: SYP (synaptophysin; minus strand). Cytogenetic location: Xp11.23.
Variant type: single nucleotide variant.
Coding change: c.736C>T on transcript NM_003179.3 (MANE Select); coding-DNA position 736, C replaced by T.
Protein change: p.Pro246Ser; replaces proline 246 with serine.
Molecular consequence: missense variant.
Genome position (GRCh38, 1-based): chrX:49,191,643, G>A on the plus strand (C>T on the coding strand, the complement: SYP is on the minus strand). VCF-style: chrX-49191643-G-A. GRCh37 (hg19) VCF-style: chrX-49048100-G-A.
Other names: short protein forms P246S.
Identifiers: ClinVar variation 3897222 (VCV003897222.2).

ClinVar aggregate classification (germline): Uncertain significance (1 of 4 stars; one submission).

gnomAD v4.1: 1 of 1,206,916 alleles (0.000083%); highest among the groups gnomAD compares: African/African-American, 0.0017%; no homozygotes.

Submission:

GeneDx
Classification: Uncertain significance. Last evaluated: 2026-03-20. Review status: criteria provided, single submitter. Criteria: GeneDx Variant Classification Process June 2021. Collection method: clinical testing. Allele origin: germline.
Comment: Not observed at significant frequency in large population cohorts (gnomAD); In silico analysis suggests that this missense variant does not alter protein structure/function; Has not been previously published as pathogenic or benign to our knowledge